The following is an entry in ClinVar:

NM_177438.3(DICER1):c.5123G>A (p.Gly1708Glu)

Gene: DICER1 (dicer 1, ribonuclease III; minus strand). Cytogenetic location: 14q32.13.
Variant type: single nucleotide variant.
Coding change: c.5123G>A on transcript NM_177438.3 (MANE Select); coding-DNA position 5123, G replaced by A.
Protein change: p.Gly1708Glu; replaces glycine 1708 with glutamic acid.
Molecular consequence: missense variant.
Genome position (GRCh38, 1-based): chr14:95,094,129, C>T on the plus strand (G>A on the coding strand, the complement: DICER1 is on the minus strand). VCF-style: chr14-95094129-C-T. GRCh37 (hg19) VCF-style: chr14-95560466-C-T.
Other names: c.5123G>A, p.Gly1708Glu (NM_001195573.1, NM_001271282.3, NM_001291628.2 and 1 more transcripts); short protein forms G1708E.
Identifiers: ClinVar variation 254345 (VCV000254345.11), dbSNP rs886037724, ClinGen allele CA10586406.

ClinVar aggregate classification (germline): Pathogenic/Likely pathogenic. Review status: criteria provided, multiple submitters, no conflicts (2 of 4 stars). 5 submissions from 5 submitters: Pathogenic (1); Likely pathogenic (4). Last evaluated 2025-06-13.

Conditions:
DICER1-related tumor predisposition. Also called: DICER1 syndrome; DICER1-related pleuropulmonary blastoma cancer predisposition syndrome. Identifiers: Orphanet 284343, MedGen C3839822, MONDO:0100216.
Hereditary cancer-predisposing syndrome. Also called: Tumor predisposition; Hereditary Cancer Syndrome; Neoplastic Syndromes, Hereditary; Hereditary neoplastic syndrome. Identifiers: Orphanet 140162, MedGen C0027672, MeSH D009386, MONDO:0015356.

Submissions (5):

Institute for Genomic Medicine (IGM) Clinical Laboratory, Nationwide Children's Hospital
Classification: Likely pathogenic for DICER1-related tumor predisposition. Last evaluated: 2025-06-13. Review status: criteria provided, single submitter. Criteria: ACMG Guidelines, 2015. Collection method: clinical testing. Allele origin: germline.
Comment: This variant has been reported at an elevated frequency in affected individuals/in multiple affected individuals in the literature (ACMG/AMP: PS4_Supporting; PMID:26925222). This variant is located in a mutational hot spot and/or critical and well-established functional domain (ACMG/AMP: PM1_Supporting). This variant is absent from or present at an exceedingly low frequency in gnomAD, a large-scale control population database (ACMG/AMP: PM2). This variant is predicted to alter protein function or structure, or disrupt splicing by multiple in silico tools (ACMG/AMP: PP3). This variant is in a gene that is highly specific for a disease with a single genetic etiology (ACMG/AMP: PP4).

Ambry Genetics
Classification: Likely pathogenic for Hereditary cancer-predisposing syndrome. Last evaluated: 2023-01-27. Review status: criteria provided, single submitter. Criteria: Ambry Variant Classification Scheme 2023. Collection method: clinical testing. Allele origin: germline.
Comment: The p.G1708E variant (also known as c.5123G>A), located in coding exon 23 of the DICER1 gene, results from a G to A substitution at nucleotide position 5123. The glycine at codon 1708 is replaced by glutamic acid, an amino acid with similar properties. This variant was detected in a patient with pleuropulmonary blastoma (PPB) (Brenneman M et al. F1000Res, 2015 Jul;4:214). This missense alteration is located in a region that has a low rate of benign missense variation (Lek M et al. Nature. 2016 Aug 18;536(7616):285-91; DECIPHER: Database of Chromosomal Imbalance and Phenotype in Humans using Ensembl Resources. Firth H.V. et al. 2009. Am.J.Hum.Genet. 84, 524-533 (DOI)). Based on internal structural analysis, G1708E is more disruptive to the sensitive RNase IIIb domain than a nearby pathogenic variant (Ambry internal data). This variant is considered to be rare based on population cohorts in the Genome Aggregation Database (gnomAD). This amino acid position is highly conserved in available vertebrate species. In addition, this alteration is predicted to be deleterious by in silico analysis. Based on the majority of available evidence to date, this variant is likely to be pathogenic.

Labcorp Genetics (formerly Invitae), Labcorp
Classification: Likely pathogenic for DICER1-related tumor predisposition. Last evaluated: 2022-01-11. Review status: criteria provided, single submitter. Criteria: Invitae Variant Classification Sherloc (09022015). Collection method: clinical testing. Allele origin: germline.
Comment: This variant disrupts the p.Gly1708 amino acid residue in DICER1. Other variant(s) that disrupt this residue have been observed in individuals with DICER1-related conditions (Invitae), which suggests that this may be a clinically significant amino acid residue. This sequence change replaces glycine, which is neutral and non-polar, with glutamic acid, which is acidic and polar, at codon 1708 of the DICER1 protein (p.Gly1708Glu). This variant is not present in population databases (gnomAD no frequency). This missense change has been observed in individual(s) with DICER1-related conditions (PMID: 26925222; Invitae). In at least one individual the data is consistent with this variant being in trans (on the opposite chromosome) from the pathogenic hotspot mutation p.Glu1813Gly in the individual's pleuropulmonary blastoma. ClinVar contains an entry for this variant (Variation ID: 254345). Algorithms developed to predict the effect of missense changes on protein structure and function (SIFT, PolyPhen-2, Align-GVGD) all suggest that this variant is likely to be disruptive. In summary, the currently available evidence indicates that the variant is pathogenic, but additional data are needed to prove that conclusively. Therefore, this variant has been classified as Likely Pathogenic.

Foulkes Cancer Genetics LDI, Lady Davis Institute for Medical Research
Classification: Likely pathogenic for Pleuropulmonary blastoma. Last evaluated: 2019-07-01. Review status: criteria provided, single submitter. Criteria: ACMG Guidelines, 2015. Collection method: curation. Allele origin: germline. Affected: yes. Observed: 1 variant allele.
Comment: ACMG criteria met: PM1, PM2, PM7, PP3

International Pleuropulmonary Blastoma Registry, Children's Hospitals and Clinics of Minnesota
Classification: Pathogenic for Pleuropulmonary blastoma. Last evaluated: 2014-11-10. Review status: criteria provided, single submitter. Criteria: Hill et al. (Science. 2009). Collection method: clinical testing. Allele origin: germline. Affected: yes. Study: PPB-DICER1 Genetic study.

Literature cited by the submitters: PubMed 26925222 (cited by 5 submitters).